The following is an entry in ClinVar:

NM_000384.3(APOB):c.8813A>G (p.Asp2938Gly)

Gene: APOB (apolipoprotein B; minus strand). Cytogenetic location: 2p24.1.
Variant type: single nucleotide variant.
Coding change: c.8813A>G on transcript NM_000384.3 (MANE Select); coding-DNA position 8813, A replaced by G.
Protein change: p.Asp2938Gly; replaces aspartic acid 2938 with glycine.
Molecular consequence: missense variant.
Genome position (GRCh38, 1-based): chr2:21,008,055, T>C on the plus strand (A>G on the coding strand, the complement: APOB is on the minus strand). VCF-style: chr2-21008055-T-C. GRCh37 (hg19) VCF-style: chr2-21230927-T-C.
Other names: c.8813A>G (NM_000384.2); short protein forms D2938G.
Identifiers: ClinVar variation 2178038 (VCV002178038.6), dbSNP rs377687939, ClinGen allele CA43499835.
Genomic context (GRCh38, chr2:21,008,055, plus strand): 5'-CCAAAGGAAGTGAGGGGTCCTTCTATGGTGAAACTAATTTGTGATTCATGTGTTCCCTCA[T>C]CTGAGAATCTGGGGCAGGCCCATTTCCATGACCCTTTTCCAGAAGAAGTCCATGCTATGT-3'
Protein context (NP_000375.3, residues 2928-2948): SWKWACPRFS[Asp2938Gly]EGTHESQISF

ClinVar aggregate classification (germline): Conflicting classifications of pathogenicity. Review status: criteria provided, conflicting classifications (1 of 4 stars). 3 submissions from 3 submitters: Uncertain significance (2); Benign (1). Last evaluated 2025-09-16.

Conditions:
Familial hypobetalipoproteinemia 1. Also called: APOB-Related Familial Hypobetalipoproteinemia; Hypobetalipoproteinemia, normotriglyceridemic; Acanthocytosis with hypobetalipoproteinemia. Identifiers: MedGen C4551990, MONDO:0014252, OMIM 615558.
Hypercholesterolemia, autosomal dominant, type B (FHCL2). Also called: Familial Hypercholesterolemia Type B; APOLIPOPROTEIN B-100, FAMILIAL DEFECTIVE; APOLIPOPROTEIN B-100, FAMILIAL LIGAND-DEFECTIVE; HYPERCHOLESTEROLEMIA, FAMILIAL, DUE TO LIGAND-DEFECTIVE APOLIPOPROTEIN B; Hyperlipoproteinemia Type IIb; APOB-Related Familial Hypercholesterolemia, Autosomal Dominant. Identifiers: MedGen C1704417, MONDO:0007751, OMIM 144010.
Cardiovascular phenotype. Identifiers: MedGen CN230736.

Allele frequency attached by ClinVar (database versions not stated): gnomAD exomes below 0.00001; gnomAD 0.00002; TOPMed 0.00005; ESP Exome Variant Server 0.00008.
gnomAD v4.1: 5 of 1,613,982 alleles (0.00031%); highest among the groups gnomAD compares: African/African-American, 0.0067%; no homozygotes.

Submissions (3):

Labcorp Genetics (formerly Invitae), Labcorp
Classification: Benign for Familial hypobetalipoproteinemia 1; Hypercholesterolemia, autosomal dominant, type B. Last evaluated: 2025-09-16. Review status: criteria provided, single submitter. Criteria: Invitae Variant Classification Sherloc (09022015). Collection method: clinical testing. Allele origin: germline.

Ambry Genetics
Classification: Uncertain significance for Cardiovascular phenotype. Last evaluated: 2025-03-17. Review status: criteria provided, single submitter. Criteria: Ambry Variant Classification Scheme 2023. Collection method: clinical testing. Allele origin: germline.

GeneDx
Classification: Uncertain significance. Last evaluated: 2025-02-03. Review status: criteria provided, single submitter. Criteria: GeneDx Variant Classification Process June 2021. Collection method: clinical testing. Allele origin: germline. Affected: yes.
Comment: Not observed at significant frequency in large population cohorts (gnomAD); In silico analysis supports that this missense variant has a deleterious effect on protein structure/function; Has not been previously published as pathogenic or benign to our knowledge; In silico analysis suggests this variant may impact gene splicing. In the absence of RNA/functional studies, the actual effect of this sequence change is unknown.; Also known as D2911G